The following is an entry in ClinVar:

NM_205836.3(FBXO38):c.2754+12dup

Gene: FBXO38 (F-box protein 38; plus strand). Cytogenetic location: 5q32.
Variant type: Duplication.
Coding change: c.2754+12dup on transcript NM_205836.3 (MANE Select); 12 bases into the intron after coding-DNA position 2754, one base duplicated (A; older notation c.2754+12dupA).
Molecular consequence: intron variant.
Genome position (GRCh38, 1-based): chr5:148,433,536, A duplicated; the last of 6 consecutive A bases (chr5:148,433,531-148,433,536); duplicating any one gives the same sequence. VCF-style (leftmost placement, unchanged base first): chr5-148433530-G-GA. GRCh37 (hg19) VCF-style: chr5-147813093-G-GA.
Other names: c.2529+12dupA (NM_030793.5); c.2529+12dup (NM_030793.4, NM_030793.5); c.2019+12dup (NM_001271723.2).
Identifiers: ClinVar variation 541027 (VCV000541027.14), dbSNP rs778971526, ClinGen allele CA3497580.

ClinVar aggregate classification (germline): Likely benign. Review status: criteria provided, multiple submitters, no conflicts (2 of 4 stars). 2 submissions from 2 submitters: Likely benign (2). Last evaluated 2025-08-25.

Conditions:
Distal hereditary motor neuropathy type 2. Identifiers: Orphanet 139525, MedGen C3711384, MeSH C580044, MONDO:0015352.

Submissions (2):

Labcorp Genetics (formerly Invitae), Labcorp
Classification: Likely benign for Distal hereditary motor neuropathy type 2. Last evaluated: 2025-08-25. Review status: criteria provided, single submitter. Criteria: Invitae Variant Classification Sherloc (09022015). Collection method: clinical testing. Allele origin: germline.

Women's Health and Genetics/Laboratory Corporation of America, LabCorp
Classification: Likely benign. Last evaluated: 2024-07-30. Review status: criteria provided, single submitter. Criteria: LabCorp Variant Classification Summary - May 2015. Collection method: clinical testing. Allele origin: germline.
Comment: Variant summary: FBXO38 c.2529+12dupA alters a nucleotide located at a position not widely known to affect splicing. Consensus agreement among computation tools predict no significant impact on normal splicing. However, these predictions have yet to be confirmed by functional studies. The variant allele was found at a frequency of 5.7e-05 in 247136 control chromosomes. This frequency is not significantly higher than estimated for a pathogenic variant in FBXO38 causing Neuronopathy, Distal Hereditary Motor, Type 2D, allowing no conclusion about variant significance. To our knowledge, no occurrence of c.2529+12dupA in individuals affected with Neuronopathy, Distal Hereditary Motor, Type 2D and no experimental evidence demonstrating its impact on protein function have been reported. ClinVar contains an entry for this variant (Variation ID: 541027). Based on the evidence outlined above, the variant was classified as likely benign.